The following is an entry in ClinVar:

ClinVar aggregate classification (germline): Uncertain significance (1 of 4 stars; one submission).

Submission:

Labcorp Genetics (formerly Invitae), Labcorp
Classification: Uncertain significance. Last evaluated: 2025-10-02. Review status: criteria provided, single submitter. Criteria: Invitae Variant Classification Sherloc (09022015). Collection method: clinical testing. Allele origin: germline.
Comment: This variant, c.4873_4875del, results in the deletion of 1 amino acid(s) of the CLTC protein (p.Lys1625del), but otherwise preserves the integrity of the reading frame. This variant is not present in population databases (gnomAD no frequency). This variant has not been reported in the literature in individuals affected with CLTC-related conditions. ClinVar contains an entry for this variant (Variation ID: 1964642). Experimental studies and prediction algorithms are not available or were not evaluated, and the functional significance of this variant is currently unknown. In summary, the available evidence is currently insufficient to determine the role of this variant in disease. Therefore, it has been classified as a Variant of Uncertain Significance.

NM_004859.4(CLTC):c.4861_4863del (p.Lys1621del)

Gene: CLTC (clathrin heavy chain; plus strand). Cytogenetic location: 17q23.1.
Variant type: Deletion.
Coding change: c.4861_4863del on transcript NM_004859.4 (MANE Select); coding-DNA positions 4861 to 4863, 3 bases deleted (AAA; older notation c.4861_4863delAAA).
Protein change: p.Lys1621del; deletes lysine 1621.
Molecular consequence: inframe deletion.
Genome position (GRCh38, 1-based): chr17:59,690,669-59,690,671, AAA deleted; deleting any 3 consecutive bases within chr17:59,690,668-59,690,671 gives the same sequence; the c. name uses the placement nearest the transcript's 3' end. VCF-style (leftmost placement, unchanged base first): chr17-59690667-GAAA-G. GRCh37 (hg19) VCF-style: chr17-57768028-GAAA-G.
Other names: c.4873_4875del, p.Lys1625del (NM_001288653.2); short protein forms K1625del, K1621del.
Identifiers: ClinVar variation 1964642 (VCV001964642.5), dbSNP rs1335845300, ClinGen allele CA773628094.